The following is an entry in ClinVar:

ClinVar aggregate classification (germline): Uncertain significance (1 of 4 stars; one submission).

Conditions:
Acrocallosal syndrome (ACLS). Also called: Schinzel syndrome 1; Absence of corpus callosum with unusual facial appearance, mental deficiency, duplication of the halluces and polydactyly; HALLUX DUPLICATION, POSTAXIAL POLYDACTYLY, AND ABSENCE OF CORPUS CALLOSUM. Identifiers: Orphanet 36, MedGen C0796147, MONDO:0008708, OMIM 200990.

Submission:

Labcorp Genetics (formerly Invitae), Labcorp
Classification: Uncertain significance for Acrocallosal syndrome. Last evaluated: 2022-05-15. Review status: criteria provided, single submitter. Criteria: Invitae Variant Classification Sherloc (09022015). Collection method: clinical testing. Allele origin: germline.
Comment: This sequence change replaces alanine, which is neutral and non-polar, with asparagine, which is neutral and polar, at codon 162 of the KIF7 protein (p.Ala162Asn). Information on the frequency of this variant in the gnomAD database is not available, as this variant may be reported differently in the database. This variant has not been reported in the literature in individuals affected with KIF7-related conditions. Algorithms developed to predict the effect of missense changes on protein structure and function are either unavailable or do not agree on the potential impact of this missense change (SIFT: "Not Available"; PolyPhen-2: "Probably Damaging"; Align-GVGD: "Not Available"). In summary, the available evidence is currently insufficient to determine the role of this variant in disease. Therefore, it has been classified as a Variant of Uncertain Significance.

NM_198525.3(KIF7):c.484_485delinsAA (p.Ala162Asn)

Gene: KIF7 (kinesin family member 7; minus strand). Cytogenetic location: 15q26.1.
Variant type: Indel.
Coding change: c.484_485delinsAA on transcript NM_198525.3 (MANE Select); coding-DNA positions 484 to 485, GC replaced by AA.
Protein change: p.Ala162Asn; replaces alanine 162 with asparagine.
Molecular consequence: missense variant.
Genome position (GRCh38, 1-based): chr15:89,649,785-89,649,786, GC replaced by TT on the plus strand (GC replaced by AA on the coding strand, the reverse complement: KIF7 is on the minus strand). VCF-style: chr15-89649785-GC-TT. GRCh37 (hg19) VCF-style: chr15-90193016-GC-TT.
Other names: short protein forms A162N.
Identifiers: ClinVar variation 1994587 (VCV001994587.4), dbSNP rs2505502095, ClinGen allele CA2580090199.